The following is an entry in ClinVar:

NM_004360.5(CDH1):c.1928del (p.Asn643fs)

Gene: CDH1 (cadherin 1; plus strand). Cytogenetic location: 16q22.1.
Variant type: Deletion.
Coding change: c.1928del on transcript NM_004360.5 (MANE Select); coding-DNA position 1928, one base deleted (A; older notation c.1928delA).
Protein change: p.Asn643fs; shifts the reading frame from asparagine 643.
Molecular consequence: frameshift variant. On other transcripts: 5 prime UTR variant (1).
Genome position (GRCh38, 1-based): chr16:68,822,217, A deleted; the last of 2 consecutive A bases (chr16:68,822,216-68,822,217); deleting either gives the same sequence. VCF-style (leftmost placement, unchanged base first): chr16-68822215-CA-C. GRCh37 (hg19) VCF-style: chr16-68856118-CA-C.
Other names: c.1745del, p.Asn582fs (NM_001317184.2); c.380del, p.Asn127fs (NM_001317185.2); c.-38del (NM_001317186.2); short protein forms N127fs, N582fs, N643fs.
Identifiers: ClinVar variation 2583434 (VCV002583434.2), dbSNP rs2543942988, ClinGen allele CA2582342532.
Genomic context (GRCh38, chr16:68,822,215, plus strand): 5'-TACATCTCCCTTCACAGCAGAACTAACACACGGGGCGAGTGCCAACTGGACCATTCAGTA[CA>C]ACGACCCAAGTGGGTACCTGAGTTTTATTTTGGCAACTTTGCTCCAACTGCCATGCTTCC-3'

ClinVar aggregate classification (germline): Pathogenic (1 of 4 stars; one submission).

Conditions:
Hereditary diffuse gastric adenocarcinoma (HDGC). Also called: DIFFUSE GASTRIC AND LOBULAR BREAST CANCER SYNDROME. Identifiers: Orphanet 26106, MedGen C1708349, MONDO:0007648, OMIM 137215.

Submission:

Myriad Genetics, Inc.
Classification: Pathogenic for Hereditary diffuse gastric adenocarcinoma. Last evaluated: 2023-06-14. Review status: criteria provided, single submitter. Criteria: Myriad Autosomal Dominant, Autosomal Recessive and X-Linked Classification Criteria (2023). Collection method: clinical testing. Allele origin: unknown.
Comment: This variant is considered pathogenic. This variant creates a frameshift predicted to result in premature protein truncation.